The following is an entry in ClinVar:

NM_001365902.3(NFIX):c.310G>T (p.Val104Leu)

Gene: NFIX (nuclear factor I X; plus strand). Cytogenetic location: 19p13.13.
Variant type: single nucleotide variant.
Coding change: c.310G>T on transcript NM_001365902.3 (MANE Select); coding-DNA position 310, G replaced by T.
Protein change: p.Val104Leu; replaces valine 104 with leucine.
Molecular consequence: missense variant.
Genome position (GRCh38, 1-based): chr19:13,025,303, G>T. VCF-style: chr19-13025303-G-T. GRCh37 (hg19) VCF-style: chr19-13136117-G-T.
Other names: c.334G>T, p.Val112Leu (NM_001271043.2); c.286G>T, p.Val96Leu (NM_001271044.3, NM_001378404.1, NM_001440616.1 and 1 more transcripts); c.310G>T, p.Val104Leu (NM_001365982.2, NM_002501.4); c.169G>T, p.Val57Leu (NM_001365983.2); c.307G>T, p.Val103Leu (NM_001365984.2, NM_001365985.2); c.358G>T, p.Val120Leu (NM_001378405.1); short protein forms V112L, V120L, V104L, V57L, V96L, V103L.
Identifiers: ClinVar variation 4626100 (VCV004626100.1).

ClinVar aggregate classification (germline): Uncertain significance (1 of 4 stars; one submission).

Conditions:
Inborn genetic diseases. Identifiers: MedGen C0950123, MeSH D030342.

Submission:

Ambry Genetics
Classification: Uncertain significance for Inborn genetic diseases. Last evaluated: 2025-11-07. Review status: criteria provided, single submitter. Criteria: Ambry Variant Classification Scheme 2023. Collection method: clinical testing. Allele origin: germline.
Comment: The c.310G>T (p.V104L) alteration is located in exon 2 (coding exon 2) of the NFIX gene. This alteration results from a G to T substitution at nucleotide position 310, causing the valine (V) at amino acid position 104 to be replaced by a leucine (L). Based on data from gnomAD, the T allele has an overall frequency of <0.001% (1/250618) total alleles studied. The highest observed frequency was 0.001% (1/113282) of European (non-Finnish) alleles. Based on insufficient or conflicting evidence, the clinical significance of this alteration remains unclear.